The following is an entry in ClinVar:

ClinVar aggregate classification (germline): Uncertain significance (1 of 4 stars; one submission).

Conditions:
Dilated cardiomyopathy 1DD (CMD1DD). Identifiers: Orphanet 154, MedGen C2750995, MONDO:0013168, OMIM 613172.

gnomAD v4.1: 1 of 1,551,646 alleles (0.000064%); highest among the groups gnomAD compares: Non-Finnish European, 0.000087%; no homozygotes.

Submission:

Labcorp Genetics (formerly Invitae), Labcorp
Classification: Uncertain significance for Dilated cardiomyopathy 1DD. Last evaluated: 2022-03-11. Review status: criteria provided, single submitter. Criteria: Invitae Variant Classification Sherloc (09022015). Collection method: clinical testing. Allele origin: germline.
Comment: This sequence change replaces valine, which is neutral and non-polar, with alanine, which is neutral and non-polar, at codon 1102 of the RBM20 protein (p.Val1102Ala). This variant is not present in population databases (gnomAD no frequency). This variant has not been reported in the literature in individuals affected with RBM20-related conditions. Advanced modeling of protein sequence and biophysical properties (such as structural, functional, and spatial information, amino acid conservation, physicochemical variation, residue mobility, and thermodynamic stability) performed at Invitae indicates that this missense variant is not expected to disrupt RBM20 protein function. In summary, the available evidence is currently insufficient to determine the role of this variant in disease. Therefore, it has been classified as a Variant of Uncertain Significance.

NM_001134363.3(RBM20):c.3305T>C (p.Val1102Ala)

Gene: RBM20 (RNA binding motif protein 20; plus strand). Cytogenetic location: 10q25.2.
Variant type: single nucleotide variant.
Coding change: c.3305T>C on transcript NM_001134363.3 (MANE Select); coding-DNA position 3305, T replaced by C.
Protein change: p.Val1102Ala; replaces valine 1102 with alanine.
Molecular consequence: missense variant.
Genome position (GRCh38, 1-based): chr10:110,821,924, T>C. VCF-style: chr10-110821924-T-C. GRCh37 (hg19) VCF-style: chr10-112581682-T-C.
Other names: short protein forms V1102A.
Identifiers: ClinVar variation 2160122 (VCV002160122.1), dbSNP rs2493495797, ClinGen allele CA378382712.